The following is an entry in ClinVar:

NM_000089.4(COL1A2):c.439C>T (p.Pro147Ser)

Gene: COL1A2 (collagen type I alpha 2 chain; plus strand). Cytogenetic location: 7q21.3.
Variant type: single nucleotide variant.
Coding change: c.439C>T on transcript NM_000089.4 (MANE Select); coding-DNA position 439, C replaced by T.
Protein change: p.Pro147Ser; replaces proline 147 with serine.
Molecular consequence: missense variant.
Genome position (GRCh38, 1-based): chr7:94,405,205, C>T. VCF-style: chr7-94405205-C-T. GRCh37 (hg19) VCF-style: chr7-94034517-C-T.
Other names: short protein forms P147S.
Identifiers: ClinVar variation 950913 (VCV000950913.11), dbSNP rs1791770915, ClinGen allele CA368219774.
Genomic context (GRCh38, chr7:94,405,205, plus strand): 5'-TTTGTCTGATAGTTTACCAAGAAGAAGTTGACTCTACAATGTTTTCATGTTTAGGGTCAC[C>T]CTGGAAAACCCGGACGACCTGGTGAGAGAGGAGTTGTTGGACCACAGGTGAGACTTTTTA-3'
Protein context (NP_000080.2, residues 137-157): PPGKAGEDGH[Pro147Ser]GKPGRPGERG

ClinVar aggregate classification (germline): Uncertain significance (1 of 4 stars; one submission).

Conditions:
Osteogenesis imperfecta type I (OI1). Also called: Lobstein's Disease; OI, TYPE I; OSTEOGENESIS IMPERFECTA TARDA; OSTEOGENESIS IMPERFECTA WITH BLUE SCLERAE; Osteogenesis imperfecta type 1; Lobstein disease. Identifiers: Orphanet 216796, Orphanet 666, MedGen C0023931, MONDO:0008146, OMIM 166200. Disease mechanism: loss of function.
Ehlers-Danlos syndrome, classic type, 1 (EDSCL1). Also called: Ehlers-Danlos syndrome, type 1; EHLERS-DANLOS SYNDROME, GRAVIS TYPE; EHLERS-DANLOS SYNDROME, SEVERE CLASSIC TYPE; EDS I; Ehlers-Danlos Syndrome, Classic Type, COL5A1-Related. Identifiers: MedGen C0268335, MONDO:0019567, OMIM 130000.

gnomAD v4.1: 1 of 1,613,764 alleles (0.000062%); highest among the groups gnomAD compares: Non-Finnish European, 0.000085%; no homozygotes.

Submission:

Labcorp Genetics (formerly Invitae), Labcorp
Classification: Uncertain significance for Osteogenesis imperfecta type I; Ehlers-Danlos syndrome, classic type, 1. Last evaluated: 2022-03-18. Review status: criteria provided, single submitter. Criteria: Invitae Variant Classification Sherloc (09022015). Collection method: clinical testing. Allele origin: germline.
Comment: This variant is not present in population databases (gnomAD no frequency). This sequence change replaces proline, which is neutral and non-polar, with serine, which is neutral and polar, at codon 147 of the COL1A2 protein (p.Pro147Ser). This variant has not been reported in the literature in individuals affected with COL1A2-related conditions. ClinVar contains an entry for this variant (Variation ID: 950913). Advanced modeling of protein sequence and biophysical properties (such as structural, functional, and spatial information, amino acid conservation, physicochemical variation, residue mobility, and thermodynamic stability) performed at Invitae indicates that this missense variant is not expected to disrupt COL1A2 protein function. In summary, the available evidence is currently insufficient to determine the role of this variant in disease. Therefore, it has been classified as a Variant of Uncertain Significance.